The following is an entry in ClinVar:

ClinVar aggregate classification (germline): Benign (1 of 4 stars; one submission).

Allele frequency attached by ClinVar (database versions not stated): 1000 Genomes Project 30x 0.98829; 1000 Genomes Project 0.98962; TOPMed 0.99108; gnomAD 0.99161; gnomAD exomes 0.99918.
gnomAD v4.1: 873,322 of 875,212 alleles (100%); highest among the groups gnomAD compares: East Asian, 100%; 435,741 homozygotes.

Submission:

Unidad de Genómica Garrahan, Hospital de Pediatría Garrahan
Classification: Benign. Last evaluated: 2024-01-24. Review status: criteria provided, single submitter. Criteria: ACMG Guidelines, 2015. Collection method: clinical testing. Allele origin: germline. Affected: no. Observed: 62 variant alleles.
Comment: This variant is classified as Benign based on local population frequency. This variant was detected in 65% of patients studied by a panel of primary immunodeficiencies. Number of patients: 62. Only high quality variants are reported.

NM_001387220.1(IKZF2):c.574+94G>A

Gene: IKZF2 (IKAROS family zinc finger 2; minus strand). Cytogenetic location: 2q34.
Variant type: single nucleotide variant.
Coding change: c.574+94G>A on transcript NM_001387220.1 (MANE Select); 94 bases into the intron after coding-DNA position 574, G replaced by A.
Molecular consequence: intron variant.
Genome position (GRCh38, 1-based): chr2:213,049,619, C>T on the plus strand (G>A on the coding strand, the complement: IKZF2 is on the minus strand). VCF-style: chr2-213049619-C-T. GRCh37 (hg19) VCF-style: chr2-213914343-C-T.
Other names: c.493+94G>A (NM_001371277.1); c.574+94G>A (NM_001371274.1, NM_016260.3); c.496+94G>A (NM_001371276.1, NM_001079526.2, NM_001371275.1).
Identifiers: ClinVar variation 2688037 (VCV002688037.2), dbSNP rs2165444, ClinGen allele CA65317575.